The following is an entry in ClinVar:

ClinVar aggregate classification (germline): Uncertain significance (1 of 4 stars; one submission).

Conditions:
Primary dilated cardiomyopathy (DCM). Also called: Dilated Cardiomyopathy. Identifiers: Orphanet 217604, MedGen C0007193, MeSH D002311, MONDO:0005021, HP:0001644. Inheritance: Various modes of inheritance.

Allele frequency attached by ClinVar (database versions not stated): ExAC 0.00002; TOPMed 0.00002; gnomAD exomes 0.00003; gnomAD 0.00005; ESP Exome Variant Server 0.00008.
gnomAD v4.1: 48 of 1,507,314 alleles (0.0032%); highest among the groups gnomAD compares: Middle Eastern, 0.017%; no homozygotes.

Submission:

Labcorp Genetics (formerly Invitae), Labcorp
Classification: Uncertain significance for Primary dilated cardiomyopathy. Last evaluated: 2025-07-29. Review status: criteria provided, single submitter. Criteria: Invitae Variant Classification Sherloc (09022015). Collection method: clinical testing. Allele origin: germline.
Comment: This sequence change falls in intron 11 of the NEBL gene. It does not directly change the encoded amino acid sequence of the NEBL protein. It affects a nucleotide within the consensus splice site. This variant is present in population databases (rs376080967, gnomAD 0.005%). This variant has not been reported in the literature in individuals affected with NEBL-related conditions. ClinVar contains an entry for this variant (Variation ID: 963272). Variants that disrupt the consensus splice site are a relatively common cause of aberrant splicing (PMID: 17576681, 9536098). Algorithms developed to predict the effect of sequence changes on RNA splicing suggest that this variant is not likely to affect RNA splicing. In summary, the available evidence is currently insufficient to determine the role of this variant in disease. Therefore, it has been classified as a Variant of Uncertain Significance.

Literature cited by the submitters: PubMed 17576681; PubMed 9536098.

NM_006393.3(NEBL):c.1117-3C>T

Gene: NEBL (nebulette; minus strand). Cytogenetic location: 10p12.31.
Variant type: single nucleotide variant.
Coding change: c.1117-3C>T on transcript NM_006393.3 (MANE Select); 3 bases into the intron before coding-DNA position 1117, C replaced by T.
Molecular consequence: intron variant.
Genome position (GRCh38, 1-based): chr10:20,845,371, G>A on the plus strand (C>T on the coding strand, the complement: NEBL is on the minus strand). VCF-style: chr10-20845371-G-A. GRCh37 (hg19) VCF-style: chr10-21134300-G-A.
Other names: c.250-32431C>T (NM_001377326.1, NM_001377327.1, NM_001377328.1); c.358-32431C>T (NM_213569.2, NM_001173484.2, NM_001377322.1); c.301-32431C>T (NM_001377324.1); c.292-32431C>T (NM_001377325.1); c.310-32431C>T (NM_001377323.1).
Identifiers: ClinVar variation 963272 (VCV000963272.10), dbSNP rs376080967, ClinGen allele CA5432964.